The following is an entry in ClinVar:

ClinVar aggregate classification (germline): Likely benign (0 of 4 stars; one submission).

Conditions:
SMURF2-related disorder. Also called: SMURF2-related condition.

Allele frequency attached by ClinVar (database versions not stated): gnomAD exomes below 0.00001; gnomAD 0.00004; TOPMed 0.00006; ESP Exome Variant Server 0.00008.

Submission:

PreventionGenetics, part of Exact Sciences
Classification: Likely benign for SMURF2-related condition. Last evaluated: 2019-12-06. Review status: no assertion criteria provided. Collection method: clinical testing. Allele origin: germline.
Comment: This variant is classified as likely benign based on ACMG/AMP sequence variant interpretation guidelines (Richards et al. 2015 PMID: 25741868, with internal and published modifications).

NM_022739.4(SMURF2):c.1016+10T>C

Gene: SMURF2 (SMAD specific E3 ubiquitin protein ligase 2; minus strand). Cytogenetic location: 17q23.3.
Variant type: single nucleotide variant.
Coding change: c.1016+10T>C on transcript NM_022739.4 (MANE Select); 10 bases into the intron after coding-DNA position 1016, T replaced by C.
Molecular consequence: intron variant.
Genome position (GRCh38, 1-based): chr17:64,571,788, A>G on the plus strand (T>C on the coding strand, the complement: SMURF2 is on the minus strand). VCF-style: chr17-64571788-A-G. GRCh37 (hg19) VCF-style: chr17-62567906-A-G.
Identifiers: ClinVar variation 3048536 (VCV003048536.2), dbSNP rs370631579, ClinGen allele CA293016448.